The following is an entry in ClinVar:

ClinVar aggregate classification (germline): Uncertain significance (1 of 4 stars; one submission).

Submission:

Ambry Genetics
Classification: Uncertain significance. Last evaluated: 2026-03-22. Review status: criteria provided, single submitter. Criteria: Ambry Variant Classification Scheme 2023. Collection method: clinical testing. Allele origin: germline.
Comment: The p.V558M variant (also known as c.1672G>A), located in coding exon 7 of the WNK2 gene, results from a G to A substitution at nucleotide position 1672. The valine at codon 558 is replaced by methionine, an amino acid with highly similar properties. This amino acid position is conserved. In addition, this alteration is predicted to be tolerated by in silico analysis. Based on the available evidence, the clinical significance of this variant remains unclear.

NM_006648.4(WNK2):c.1672G>A (p.Val558Met)

Gene: WNK2 (WNK lysine deficient protein kinase 2; plus strand). Cytogenetic location: 9q22.31.
Variant type: single nucleotide variant.
Coding change: c.1672G>A on transcript NM_006648.4 (MANE Select); coding-DNA position 1672, G replaced by A.
Protein change: p.Val558Met; replaces valine 558 with methionine.
Molecular consequence: missense variant.
Genome position (GRCh38, 1-based): chr9:93,247,672, G>A. VCF-style: chr9-93247672-G-A. GRCh37 (hg19) VCF-style: chr9-96009954-G-A.
Other names: c.1672G>A, p.Val558Met (NM_001282394.3); short protein forms V558M.
Identifiers: ClinVar variation 4866535 (VCV004866535.1).